The following is an entry in ClinVar:

NM_139343.3(BIN1):c.1510G>A (p.Gly504Ser)

Gene: BIN1 (bridging integrator 1; minus strand). Cytogenetic location: 2q14.3.
Variant type: single nucleotide variant.
Coding change: c.1510G>A on transcript NM_139343.3 (MANE Select); coding-DNA position 1510, G replaced by A.
Protein change: p.Gly504Ser; replaces glycine 504 with serine.
Molecular consequence: missense variant.
Genome position (GRCh38, 1-based): chr2:127,050,864, C>T on the plus strand (G>A on the coding strand, the complement: BIN1 is on the minus strand). VCF-style: chr2-127050864-C-T. GRCh37 (hg19) VCF-style: chr2-127808440-C-T.
Other names: c.1141G>A, p.Gly381Ser (NM_001320633.2); c.886G>A, p.Gly296Ser (NM_001320634.1); c.1270G>A, p.Gly424Ser (NM_001320640.2); c.1417G>A, p.Gly473Ser (NM_001320641.2); c.1429G>A, p.Gly477Ser (NM_001320642.1); c.1093G>A, p.Gly365Ser (NM_004305.4); c.1381G>A, p.Gly461Ser (NM_139344.3); c.1249G>A, p.Gly417Ser (NM_139345.3); and 7 more; short protein forms G296S, G350S, G386S, G461S, G504S, G335S, G365S, G408S.
Identifiers: ClinVar variation 2873973 (VCV002873973.3), dbSNP rs768399754, ClinGen allele CA1857018.

ClinVar aggregate classification (germline): Uncertain significance (1 of 4 stars; one submission).

Conditions:
Myopathy, centronuclear, 2 (CNM2). Also called: MYOTUBULAR MYOPATHY, AUTOSOMAL RECESSIVE. Identifiers: Orphanet 169186, MedGen CN031787, MONDO:0009709, OMIM 255200.

Allele frequency attached by ClinVar (database versions not stated): ExAC 0.00001; gnomAD exomes 0.00001.
gnomAD v4.1: 8 of 1,613,944 alleles (0.0005%); highest among the groups gnomAD compares: Non-Finnish European, 0.00068%; no homozygotes.

Submission:

Labcorp Genetics (formerly Invitae), Labcorp
Classification: Uncertain significance for Myopathy, centronuclear, 2. Last evaluated: 2023-05-16. Review status: criteria provided, single submitter. Criteria: Invitae Variant Classification Sherloc (09022015). Collection method: clinical testing. Allele origin: germline.
Comment: In summary, the available evidence is currently insufficient to determine the role of this variant in disease. Therefore, it has been classified as a Variant of Uncertain Significance. Advanced modeling of protein sequence and biophysical properties (such as structural, functional, and spatial information, amino acid conservation, physicochemical variation, residue mobility, and thermodynamic stability) performed at Invitae indicates that this missense variant is not expected to disrupt BIN1 protein function. This variant has not been reported in the literature in individuals affected with BIN1-related conditions. This variant is not present in population databases (gnomAD no frequency). This sequence change replaces glycine, which is neutral and non-polar, with serine, which is neutral and polar, at codon 504 of the BIN1 protein (p.Gly504Ser).